The following is an entry in ClinVar:

NM_004260.4(RECQL4):c.2696G>A (p.Gly899Asp)

Gene: RECQL4 (RecQ like helicase 4; minus strand). Cytogenetic location: 8q24.3.
Variant type: single nucleotide variant.
Coding change: c.2696G>A on transcript NM_004260.4 (MANE Select); coding-DNA position 2696, G replaced by A.
Protein change: p.Gly899Asp; replaces glycine 899 with aspartic acid.
Molecular consequence: missense variant.
Genome position (GRCh38, 1-based): chr8:144,512,906, C>T on the plus strand (G>A on the coding strand, the complement: RECQL4 is on the minus strand). VCF-style: chr8-144512906-C-T. GRCh37 (hg19) VCF-style: chr8-145738289-C-T.
Other names: short protein forms G899D.
Identifiers: ClinVar variation 1024732 (VCV001024732.3), dbSNP rs1827524891, ClinGen allele CA372675153.

ClinVar aggregate classification (germline): Uncertain significance (1 of 4 stars; one submission).

Conditions:
Baller-Gerold syndrome (BGS). Also called: CRANIOSYNOSTOSIS WITH RADIAL DEFECTS. Identifiers: Orphanet 1225, MedGen C0265308, MONDO:0009039, OMIM 218600.

Submission:

Labcorp Genetics (formerly Invitae), Labcorp
Classification: Uncertain significance for Baller-Gerold syndrome. Last evaluated: 2020-05-21. Review status: criteria provided, single submitter. Criteria: Invitae Variant Classification Sherloc (09022015). Collection method: clinical testing. Allele origin: germline.
Comment: In summary, the available evidence is currently insufficient to determine the role of this variant in disease. Therefore, it has been classified as a Variant of Uncertain Significance. This sequence change replaces glycine with aspartic acid at codon 899 of the RECQL4 protein (p.Gly899Asp). The glycine residue is highly conserved and there is a moderate physicochemical difference between glycine and aspartic acid. This variant is not present in population databases (ExAC no frequency). This variant has not been reported in the literature in individuals with RECQL4-related conditions. Experimental studies and prediction algorithms are not available or were not evaluated, and the functional significance of this variant is currently unknown.